The following is an entry in ClinVar:

NM_032638.5(GATA2):c.1166_1181delinsCATG (p.Lys389_Gln394delinsThrTrp)

Gene: GATA2 (GATA binding protein 2; minus strand). Cytogenetic location: 3q21.3.
Variant type: Indel.
Coding change: c.1166_1181delinsCATG on transcript NM_032638.5 (MANE Select); coding-DNA positions 1166 to 1181, AGAAGGAAGGGATCCA replaced by CATG.
Protein change: p.Lys389_Gln394delinsThrTrp.
Molecular consequence: inframe indel.
Genome position (GRCh38, 1-based): chr3:128,481,281-128,481,296, TGGATCCCTTCCTTCT replaced by CATG on the plus strand (AGAAGGAAGGGATCCA replaced by CATG on the coding strand, the reverse complement: GATA2 is on the minus strand). VCF-style: chr3-128481281-TGGATCCCTTCCTTCT-CATG. GRCh37 (hg19) VCF-style: chr3-128200124-TGGATCCCTTCCTTCT-CATG.
Other names: c.1166_1181delinsCATG, p.Lys389_Gln394delinsThrTrp (NM_001145661.2); c.1124_1139delinsCATG, p.Lys375_Gln380delinsThrTrp (NM_001145662.1).
Identifiers: ClinVar variation 966897 (VCV000966897.1), dbSNP rs2068625186, ClinGen allele CA1139532296.

ClinVar aggregate classification (germline): Uncertain significance (1 of 4 stars; one submission).

Conditions:
Deafness-lymphedema-leukemia syndrome. Also called: Lymphedema, primary, with myelodysplasia; Emberger syndrome. Identifiers: Orphanet 3226, MedGen C3279664, MONDO:0013540, OMIM 614038.
Monocytopenia with susceptibility to infections. Also called: MONOCYTOPENIA AND MYCOBACTERIAL INFECTION SYNDROME; MONOCYTOPENIA WITH SUSCEPTIBILITY TO MYCOBACTERIAL, FUNGAL, AND PAPILLOMAVIRUS INFECTIONS AND MYELODYSPLASIA; COMBINED IMMUNODEFICIENCY WITH SUSCEPTIBILITY TO MYCOBACTERIAL, VIRAL, AND FUNGAL INFECTIONS; Dendritic cell, monocyte, B lymphocyte, and natural killer lymphocyte deficiency; GATA2 DEFICIENCY; IMMUNODEFICIENCY 21. Identifiers: Orphanet 228423, MedGen C3280030, MONDO:0013607, OMIM 614172.

Submission:

Labcorp Genetics (formerly Invitae), Labcorp
Classification: Uncertain significance for Dendritic cell, monocyte, B lymphocyte, and natural killer lymphocyte deficiency; Lymphedema, primary, with myelodysplasia. Last evaluated: 2019-10-23. Review status: criteria provided, single submitter. Criteria: Invitae Variant Classification Sherloc (09022015). Collection method: clinical testing. Allele origin: germline.
Comment: This variant, c.1166_1181delinsCATG, is a complex sequence change that results in the deletion of 6 and insertion of 2 amino acid(s) in the GATA2 protein (p.Lys389_Gln394delinsThrTrp). This variant is not present in population databases (ExAC no frequency). This variant has not been reported in the literature in individuals with GATA2-related conditions. Experimental studies and prediction algorithms are not available or were not evaluated, and the functional significance of this variant is currently unknown. In summary, the available evidence is currently insufficient to determine the role of this variant in disease. Therefore, it has been classified as a Variant of Uncertain Significance.